The following is an entry in ClinVar:

ClinVar aggregate classification (germline): Likely benign (1 of 4 stars; one submission).

Allele frequency attached by ClinVar (database versions not stated): gnomAD 0.00012; TOPMed 0.00014; ExAC 0.00015; ESP Exome Variant Server 0.00038.
gnomAD v4.1: 101 of 1,600,800 alleles (0.0063%); highest among the groups gnomAD compares: South Asian, 0.037%; no homozygotes.

Submission:

CeGaT Center for Human Genetics Tuebingen
Classification: Likely benign. Last evaluated: 2025-09-01. Review status: criteria provided, single submitter. Criteria: CeGaT Center For Human Genetics Tuebingen Variant Classification Criteria Version 2. Collection method: clinical testing. Allele origin: germline. Affected: yes. Observed: 3 variant alleles.
Comment: WDR81: BP4, BP7

NM_001163809.2(WDR81):c.4272C>T (p.Pro1424=)

Gene: WDR81 (WD repeat domain 81; plus strand). Cytogenetic location: 17p13.3.
Variant type: single nucleotide variant.
Coding change: c.4272C>T on transcript NM_001163809.2 (MANE Select); coding-DNA position 4272, C replaced by T.
Protein change: p.Pro1424=; no amino-acid change (proline 1424 retained).
Molecular consequence: synonymous variant.
Genome position (GRCh38, 1-based): chr17:1,732,439, C>T. VCF-style: chr17-1732439-C-T. GRCh37 (hg19) VCF-style: chr17-1635733-C-T.
Other names: c.663C>T, p.Pro221= (NM_001163673.2); c.591C>T, p.Pro197= (NM_001163811.2); c.1119C>T, p.Pro373= (NM_152348.4).
Identifiers: ClinVar variation 2647198 (VCV002647198.24), dbSNP rs138865714, ClinGen allele CA8273505.